The following is an entry in ClinVar:

NC_000023.10:g.(?_32305626)_(32328413_?)del

Gene: DMD (dystrophin; minus strand). Cytogenetic location: Xp21.1.
Variant type: Deletion.
Identifiers: ClinVar variation 1455819 (VCV001455819.5).

ClinVar aggregate classification (germline): Pathogenic (1 of 4 stars; one submission).

Conditions:
Duchenne muscular dystrophy (DMD). Also called: Duchenne Muscular Dystrophy (DMD); MUSCULAR DYSTROPHY, PSEUDOHYPERTROPHIC PROGRESSIVE, DUCHENNE TYPE. Identifiers: Orphanet 98896, MedGen C0013264, MONDO:0010679, OMIM 310200.

Submission:

Labcorp Genetics (formerly Invitae), Labcorp
Classification: Pathogenic for Duchenne muscular dystrophy. Last evaluated: 2022-09-30. Review status: criteria provided, single submitter. Criteria: Invitae Variant Classification Sherloc (09022015). Collection method: clinical testing. Allele origin: germline.
Comment: This variant is a gross deletion of the genomic region encompassing exon(s) 42-43 of the DMD gene. This deletion is out-of-frame, and is expected to create a premature termination codon and result in an absent or disrupted protein product. Loss-of-function variants in DMD are known to be pathogenic (PMID: 16770791, 25007885). A similar copy number variant has been observed in individual(s) with Duchenne muscular dystrophy (PMID: 15655674, 18752307, 21896784, 24099565). For these reasons, this variant has been classified as Pathogenic.

Literature cited by the submitters: PubMed 16770791; PubMed 25007885; PubMed 15655674; PubMed 18752307; PubMed 21896784; PubMed 24099565.